The following is an entry in ClinVar:

ClinVar aggregate classification (germline): Likely benign (1 of 4 stars; one submission).

Allele frequency attached by ClinVar (database versions not stated): TOPMed below 0.00001; ExAC 0.00001; gnomAD 0.00001.
gnomAD v4.1: 1 of 1,208,509 alleles (0.000083%); highest among the groups gnomAD compares: African/African-American, 0.0018%; no homozygotes.

Submission:

Women's Health and Genetics/Laboratory Corporation of America, LabCorp
Classification: Likely benign. Last evaluated: 2023-12-06. Review status: criteria provided, single submitter. Criteria: LabCorp Variant Classification Summary - May 2015. Collection method: clinical testing. Allele origin: germline.
Comment: Variant summary: GATA1 c.599-10A>G alters a non-conserved nucleotide located at a position not widely known to affect splicing. Consensus agreement among computation tools predict no significant impact on normal splicing. However, these predictions have yet to be confirmed by functional studies. The variant allele was found at a frequency of 5.5e-06 in 182782 control chromosomes (gnomAD). The available data on variant occurrences in the general population are insufficient to allow any conclusion about variant significance. To our knowledge, no occurrence of c.599-10A>G in individuals affected with GATA1-Related Disorders and no experimental evidence demonstrating its impact on protein function have been reported. No submitters have reported clinical-significance assessments for this variant to ClinVar after 2014. Based on the evidence outlined above, the variant was classified as likely benign.

NM_002049.4(GATA1):c.599-10A>G

Gene: GATA1 (GATA binding protein 1; plus strand). Cytogenetic location: Xp11.23.
Variant type: single nucleotide variant.
Coding change: c.599-10A>G on transcript NM_002049.4 (MANE Select); 10 bases into the intron before coding-DNA position 599, A replaced by G.
Molecular consequence: intron variant.
Genome position (GRCh38, 1-based): chrX:48,792,313, A>G. VCF-style: chrX-48792313-A-G. GRCh37 (hg19) VCF-style: chrX-48650720-A-G.
Identifiers: ClinVar variation 2691473 (VCV002691473.1), dbSNP rs782347891, ClinGen allele CA10404640.
Genomic context (GRCh38, chrX:48,792,313, plus strand): 5'-AGGTGGGAGGGGTGGCCCAAAGTAAAGCTGAGCTGAGCCTAGCTCCCTCTTCTCCTCTCC[A>G]CCCCACCAGAGGCCAGGGAGTGTGTGAACTGCGGAGCAACAGCCACTCCACTGTGGCGGA-3'